The following is an entry in ClinVar:

NM_172364.5(CACNA2D4):c.2721+2T>C

Gene: CACNA2D4 (calcium voltage-gated channel auxiliary subunit alpha2delta 4; minus strand). Cytogenetic location: 12p13.33.
Variant type: single nucleotide variant.
Coding change: c.2721+2T>C on transcript NM_172364.5 (MANE Select); the canonical splice donor site of the intron after coding-DNA position 2721, T replaced by C.
Molecular consequence: splice donor variant.
Genome position (GRCh38, 1-based): chr12:1,810,276, A>G on the plus strand (T>C on the coding strand, the complement: CACNA2D4 is on the minus strand). VCF-style: chr12-1810276-A-G. GRCh37 (hg19) VCF-style: chr12-1919442-A-G.
Identifiers: ClinVar variation 2021449 (VCV002021449.4), dbSNP rs2497756056, ClinGen allele CA383349913.

ClinVar aggregate classification (germline): Uncertain significance (1 of 4 stars; one submission).

Submission:

Labcorp Genetics (formerly Invitae), Labcorp
Classification: Uncertain significance. Last evaluated: 2022-11-01. Review status: criteria provided, single submitter. Criteria: Invitae Variant Classification Sherloc (09022015). Collection method: clinical testing. Allele origin: germline.
Comment: In summary, the available evidence is currently insufficient to determine the role of this variant in disease. Therefore, it has been classified as a Variant of Uncertain Significance. Algorithms developed to predict the effect of sequence changes on RNA splicing suggest that this variant may disrupt the consensus splice site. This variant has not been reported in the literature in individuals affected with CACNA2D4-related conditions. This variant is not present in population databases (gnomAD no frequency). This sequence change affects a donor splice site in intron 29 of the CACNA2D4 gene. It is expected to disrupt RNA splicing. Variants that disrupt the donor or acceptor splice site typically lead to a loss of protein function (PMID: 16199547), however the current clinical and genetic evidence is not sufficient to establish whether loss-of-function variants in CACNA2D4 cause disease.

Literature cited by the submitters: PubMed 16199547.